The following is an entry in ClinVar:

ClinVar aggregate classification (germline): Likely benign. Review status: criteria provided, single submitter (1 of 4 stars). 2 submissions from 2 submitters: Likely benign (1). 1 of the submissions does not count toward it. Last evaluated 2024-11-18.

Conditions:
PHIP-related disorder. Also called: PHIP-related disorders; PHIP-related condition.

gnomAD v4.1: 12 of 1,613,656 alleles (0.00074%); highest among the groups gnomAD compares: Admixed American, 0.0033%; no homozygotes.

Submissions (2):

Labcorp Genetics (formerly Invitae), Labcorp
Classification: Likely benign. Last evaluated: 2024-11-18. Review status: criteria provided, single submitter. Criteria: Invitae Variant Classification Sherloc (09022015). Collection method: clinical testing. Allele origin: germline.

PreventionGenetics, part of Exact Sciences
Classification: Likely benign for PHIP-related condition. Last evaluated: 2022-03-17. Review status: no assertion criteria provided. Collection method: clinical testing. Allele origin: germline. Not counted in ClinVar's aggregate classification.
Comment: This variant is classified as likely benign based on ACMG/AMP sequence variant interpretation guidelines (Richards et al. 2015 PMID: 25741868, with internal and published modifications).

NM_017934.7(PHIP):c.4458G>A (p.Pro1486=)

Genes: IRAK1BP1 (interleukin 1 receptor associated kinase 1 binding protein 1; plus strand), PHIP (PHIP subunit of CUL4-Ring ligase complex; minus strand). Cytogenetic location: 6q14.1.
Variant type: single nucleotide variant.
Coding change: c.4458G>A on transcript NM_017934.7 (MANE Select); coding-DNA position 4458, G replaced by A.
Protein change: p.Pro1486=; no amino-acid change (proline 1486 retained).
Molecular consequence: synonymous variant.
Genome position (GRCh38, 1-based): chr6:78,946,173, C>T on the plus strand (G>A on the coding strand, the complement: PHIP is on the minus strand). VCF-style: chr6-78946173-C-T. GRCh37 (hg19) VCF-style: chr6-79655890-C-T.
Other names: c.4458G>A (NM_017934.6).
Identifiers: ClinVar variation 1979908 (VCV001979908.5), dbSNP rs1360918578, ClinGen allele CA451009893.